The following is an entry in ClinVar:

NM_005264.8(GFRA1):c.671G>A (p.Arg224Gln)

Gene: GFRA1 (GDNF family receptor alpha 1; minus strand). Cytogenetic location: 10q25.3.
Variant type: single nucleotide variant.
Coding change: c.671G>A on transcript NM_005264.8 (MANE Select); coding-DNA position 671, G replaced by A.
Protein change: p.Arg224Gln; replaces arginine 224 with glutamine.
Molecular consequence: missense variant.
Genome position (GRCh38, 1-based): chr10:116,125,320, C>T on the plus strand (G>A on the coding strand, the complement: GFRA1 is on the minus strand). VCF-style: chr10-116125320-C-T. GRCh37 (hg19) VCF-style: chr10-117884831-C-T.
Other names: c.671G>A (NM_005264.4); c.656G>A, p.Arg219Gln (NM_001145453.4, NM_001348096.3, NM_001382556.2 and 6 more transcripts); c.671G>A, p.Arg224Gln (NM_001348097.1, NM_001348098.4); c.308G>A, p.Arg103Gln (NM_001348099.3); short protein forms R103Q, R219Q, R224Q.
Identifiers: ClinVar variation 2446629 (VCV002446629.2), dbSNP rs1005537154, ClinGen allele CA214858759.

ClinVar aggregate classification (germline): Uncertain significance. Review status: criteria provided, multiple submitters, no conflicts (2 of 4 stars). 2 submissions from 2 submitters: Uncertain significance (2). Last evaluated 2025-10-22.

Allele frequency attached by ClinVar (database versions not stated): TOPMed 0.00002; gnomAD exomes below 0.00001.
gnomAD v4.1: 7 of 1,614,228 alleles (0.00043%); highest among the groups gnomAD compares: South Asian, 0.0011%; no homozygotes.

Submissions (2):

Ambry Genetics
Classification: Uncertain significance. Last evaluated: 2025-10-22. Review status: criteria provided, single submitter. Criteria: Ambry Variant Classification Scheme 2023. Collection method: clinical testing. Allele origin: germline.

GeneDx
Classification: Uncertain significance. Last evaluated: 2022-09-28. Review status: criteria provided, single submitter. Criteria: GeneDx Variant Classification Process June 2021. Collection method: clinical testing. Allele origin: germline. Affected: yes.
Comment: In silico analysis supports that this missense variant has a deleterious effect on protein structure/function; Has not been previously published as pathogenic or benign to our knowledge